The following is an entry in ClinVar:

NM_000229.2(LCAT):c.867C>A (p.Phe289Leu)

Gene: LCAT (lecithin-cholesterol acyltransferase; minus strand). Cytogenetic location: 16q22.1.
Variant type: single nucleotide variant.
Coding change: c.867C>A on transcript NM_000229.2 (MANE Select); coding-DNA position 867, C replaced by A.
Protein change: p.Phe289Leu; replaces phenylalanine 289 with leucine.
Molecular consequence: missense variant.
Genome position (GRCh38, 1-based): chr16:67,940,360, G>T on the plus strand (C>A on the coding strand, the complement: LCAT is on the minus strand). VCF-style: chr16-67940360-G-T. GRCh37 (hg19) VCF-style: chr16-67974263-G-T.
Other names: short protein forms F289L.
Identifiers: ClinVar variation 1764260 (VCV001764260.5), dbSNP rs761999436, ClinGen allele CA8120941.

ClinVar aggregate classification (germline): Uncertain significance. Review status: criteria provided, multiple submitters, no conflicts (2 of 4 stars). 3 submissions from 3 submitters: Uncertain significance (3). Last evaluated 2024-09-08.

Conditions:
Cardiovascular phenotype. Identifiers: MedGen CN230736.
Norum disease. Also called: Familial lecithin cholesterol acyltransferase deficiency. Identifiers: Orphanet 79293, MedGen C0023195, MONDO:0009515, OMIM 245900.
Fish-eye disease (FED). Also called: ALPHA-LCAT DEFICIENCY; DYSLIPOPROTEINEMIC CORNEAL DYSTROPHY; LCATA DEFICIENCY. Identifiers: Orphanet 650, Orphanet 79292, MedGen C0342895, MONDO:0007620, OMIM 136120.

Allele frequency attached by ClinVar (database versions not stated): gnomAD 0.00001; TOPMed 0.00005; ExAC 0.00010.
gnomAD v4.1: 27 of 1,614,028 alleles (0.0017%); highest among the groups gnomAD compares: Admixed American, 0.045%; no homozygotes.

Submissions (3):

Ambry Genetics
Classification: Uncertain significance for Cardiovascular phenotype. Last evaluated: 2024-09-08. Review status: criteria provided, single submitter. Criteria: Ambry Variant Classification Scheme 2023. Collection method: clinical testing. Allele origin: germline.
Comment: The p.F289L variant (also known as c.867C>A), located in coding exon 6 of the LCAT gene, results from a C to A substitution at nucleotide position 867. The phenylalanine at codon 289 is replaced by leucine, an amino acid with highly similar properties. This amino acid position is conserved. In addition, this alteration is predicted to be deleterious by in silico analysis. Since supporting evidence is limited at this time, the clinical significance of this alteration remains unclear.

Fulgent Genetics
Classification: Uncertain significance for Fish-eye disease; Norum disease. Last evaluated: 2024-02-16. Review status: criteria provided, single submitter. Criteria: ACMG Guidelines, 2015. Collection method: clinical testing. Allele origin: germline.

3billion
Classification: Uncertain significance for Fish-eye disease. Last evaluated: 2023-11-02. Review status: criteria provided, single submitter. Criteria: ACMG Guidelines, 2015. Collection method: clinical testing. Allele origin: germline. Affected: yes.
Comment: The variant is observed at an extremely low frequency in the gnomAD v2.1.1 dataset (total allele frequency: 0.011%). Predicted Consequence/Location: Missense changes are a common disease-causing mechanism. In silico tool predictions suggest damaging effect of the variant on gene or gene product [REVEL: 0.65 (>=0.6, sensitivity 0.68 and specificity 0.92)]. Therefore, this variant is classified as VUS according to the recommendation of ACMG/AMP guideline.